The following is an entry in ClinVar:

ClinVar aggregate classification (germline): Likely benign. Review status: criteria provided, multiple submitters, no conflicts (2 of 4 stars). 3 submissions from 3 submitters: Likely benign (3). Last evaluated 2026-06-09.

Conditions:
TTLL5-related disorder. Also called: TTLL5-related condition.

Allele frequency attached by ClinVar (database versions not stated): ExAC 0.00003; gnomAD 0.00003; gnomAD exomes 0.00003 and 0.00002; TOPMed 0.00002.
gnomAD v4.1: 27 of 1,613,544 alleles (0.0017%); highest among the groups gnomAD compares: Non-Finnish European, 0.002%; no homozygotes.

Submissions (3):

PreventionGenetics, part of Exact Sciences
Classification: Likely benign for TTLL5-related condition. Last evaluated: 2026-06-09. Review status: criteria provided, single submitter. Criteria: ACMG Guidelines, 2015. Collection method: clinical testing. Allele origin: germline.
Comment: This variant is classified as likely benign based on ACMG/AMP sequence variant interpretation guidelines (Richards et al. 2015 PMID: 25741868, with internal and published modifications).

Labcorp Genetics (formerly Invitae), Labcorp
Classification: Likely benign. Last evaluated: 2025-03-10. Review status: criteria provided, single submitter. Criteria: Invitae Variant Classification Sherloc (09022015). Collection method: clinical testing. Allele origin: germline.

Blueprint Genetics
Classification: Likely benign. Last evaluated: 2022-07-29. Review status: criteria provided, single submitter. Criteria: ACMG Guidelines, 2015. Collection method: clinical testing. Allele origin: germline.

NM_015072.5(TTLL5):c.1521T>C (p.Tyr507=)

Gene: TTLL5 (tubulin tyrosine ligase like 5; plus strand). Cytogenetic location: 14q24.3.
Variant type: single nucleotide variant.
Coding change: c.1521T>C on transcript NM_015072.5 (MANE Select); coding-DNA position 1521, T replaced by C.
Protein change: p.Tyr507=; no amino-acid change (tyrosine 507 retained).
Molecular consequence: synonymous variant.
Genome position (GRCh38, 1-based): chr14:75,752,926, T>C. VCF-style: chr14-75752926-T-C. GRCh37 (hg19) VCF-style: chr14-76219269-T-C.
Identifiers: ClinVar variation 721232 (VCV000721232.9), dbSNP rs749599859, ClinGen allele CA7279416.